The following is an entry in ClinVar:

ClinVar aggregate classification (germline): Pathogenic (1 of 4 stars; one submission).

Submission:

Labcorp Genetics (formerly Invitae), Labcorp
Classification: Pathogenic. Last evaluated: 2024-04-17. Review status: criteria provided, single submitter. Criteria: Invitae Variant Classification Sherloc (09022015). Collection method: clinical testing. Allele origin: germline.
Comment: This sequence change creates a premature translational stop signal (p.Thr3088Profs*25) in the VPS13C gene. It is expected to result in an absent or disrupted protein product. Loss-of-function variants in VPS13C are known to be pathogenic (PMID: 26942284, 34875562). This variant is not present in population databases (gnomAD no frequency). This variant has not been reported in the literature in individuals affected with VPS13C-related conditions. ClinVar contains an entry for this variant (Variation ID: 1471016). For these reasons, this variant has been classified as Pathogenic.

Literature cited by the submitters: PubMed 26942284; PubMed 34875562.

NM_020821.3(VPS13C):c.9262del (p.Thr3088fs)

Gene: VPS13C (vacuolar protein sorting 13 homolog C; minus strand). Cytogenetic location: 15q22.2.
Variant type: Deletion.
Coding change: c.9262del on transcript NM_020821.3 (MANE Select); coding-DNA position 9262, one base deleted (A; older notation c.9262delA).
Protein change: p.Thr3088fs; shifts the reading frame from threonine 3088.
Molecular consequence: frameshift variant.
Genome position (GRCh38, 1-based): chr15:61,890,244, T deleted on the plus strand (A on the coding strand, the reverse complement: VPS13C is on the minus strand); the first of 2 consecutive T bases (chr15:61,890,244-61,890,245); deleting either gives the same sequence. VCF-style (leftmost placement, unchanged base first): chr15-61890243-GT-G. GRCh37 (hg19) VCF-style: chr15-62182442-GT-G.
Other names: c.9262del, p.Thr3088fs (NM_001018088.3); c.9133del, p.Thr3045fs (NM_017684.5, NM_018080.4); short protein forms T3088fs, T3045fs.
Identifiers: ClinVar variation 1471016 (VCV001471016.6), dbSNP rs2140069494, ClinGen allele CA2573151023.